The following is an entry in ClinVar:

NM_025144.4(ALPK1):c.1810G>T (p.Asp604Tyr)

Gene: ALPK1 (alpha kinase 1; plus strand). Cytogenetic location: 4q25.
Variant type: single nucleotide variant.
Coding change: c.1810G>T on transcript NM_025144.4 (MANE Select); coding-DNA position 1810, G replaced by T.
Protein change: p.Asp604Tyr; replaces aspartic acid 604 with tyrosine.
Molecular consequence: missense variant.
Genome position (GRCh38, 1-based): chr4:112,431,357, G>T. VCF-style: chr4-112431357-G-T. GRCh37 (hg19) VCF-style: chr4-113352513-G-T.
Other names: NC_000004.11:g.113352513G>T; c.1810G>T, p.Asp604Tyr (NM_001102406.2); c.1576G>T, p.Asp526Tyr (NM_001253884.2); c.1810G>T (NM_025144.3); short protein forms D526Y, D604Y.
Identifiers: ClinVar variation 2629006 (VCV002629006.3), dbSNP rs377063660, ClinGen allele CA3046803.

ClinVar aggregate classification (germline): Uncertain significance. Review status: criteria provided, multiple submitters, no conflicts (2 of 4 stars). 2 submissions from 2 submitters: Uncertain significance (2). Last evaluated 2025-08-26.

Conditions:
ALPK1-related disorder. Also called: ALPK1-related condition.
Inborn genetic diseases. Identifiers: MedGen C0950123, MeSH D030342.

Allele frequency attached by ClinVar (database versions not stated): ESP Exome Variant Server 0.00008.
gnomAD v4.1: 65 of 1,614,078 alleles (0.004%); highest among the groups gnomAD compares: Non-Finnish European, 0.0055%; no homozygotes.

Submissions (3):

Ambry Genetics
Classification: Uncertain significance for Inborn genetic diseases. Last evaluated: 2025-08-26. Review status: criteria provided, single submitter. Criteria: Ambry Variant Classification Scheme 2023. Collection method: clinical testing. Allele origin: germline.

PreventionGenetics, part of Exact Sciences
Classification: Uncertain significance for ALPK1-related condition. Last evaluated: 2023-02-09. Review status: criteria provided, single submitter. Criteria: ACMG Guidelines, 2015. Collection method: clinical testing. Allele origin: germline.
Comment: The ALPK1 c.1810G>T variant is predicted to result in the amino acid substitution p.Asp604Tyr. To our knowledge, this variant has not been reported in the literature. This variant is reported in 0.0044% of alleles in individuals of European (Non-Finnish) descent in gnomAD. At this time, the clinical significance of this variant is uncertain due to the absence of conclusive functional and genetic evidence.

Dr. Peter K. Rogan Lab, Western University
No classification provided (evidence only). Condition: Lung cancer. Review status: no classification provided. Collection method: in vitro. Allele origin: not applicable. Functional consequence: retained intron. Not counted in ClinVar's aggregate classification.